The following is an entry in ClinVar:

NM_001854.4(COL11A1):c.4661C>T (p.Thr1554Met)

Gene: COL11A1 (collagen type XI alpha 1 chain; minus strand). Cytogenetic location: 1p21.1.
Variant type: single nucleotide variant.
Coding change: c.4661C>T on transcript NM_001854.4 (MANE Select); coding-DNA position 4661, C replaced by T.
Protein change: p.Thr1554Met; replaces threonine 1554 with methionine.
Molecular consequence: missense variant. On other transcripts: non-coding transcript variant (1).
Genome position (GRCh38, 1-based): chr1:102,887,004, G>A on the plus strand (C>T on the coding strand, the complement: COL11A1 is on the minus strand). VCF-style: chr1-102887004-G-A. GRCh37 (hg19) VCF-style: chr1-103352560-G-A.
Other names: c.4544C>T, p.Thr1515Met (NM_001190709.2); c.4697C>T, p.Thr1566Met (NM_080629.3); c.4313C>T, p.Thr1438Met (NM_080630.4); short protein forms T1554M, T1566M, T1515M, T1438M.
Identifiers: ClinVar variation 432840 (VCV000432840.13), dbSNP rs759287748, ClinGen allele CA28151574.

ClinVar aggregate classification (germline): Conflicting classifications of pathogenicity. Review status: criteria provided, conflicting classifications (1 of 4 stars). 5 submissions from 5 submitters: Uncertain significance (4); Benign (1). Last evaluated 2025-12-09.

Conditions:
Hearing loss, autosomal dominant 37. Also called: DEAFNESS, AUTOSOMAL DOMINANT 37. Identifiers: MedGen C4760307, MONDO:0032802, OMIM 618533.
Inborn genetic diseases. Identifiers: MedGen C0950123, MeSH D030342.

Allele frequency attached by ClinVar (database versions not stated): TOPMed 0.00007; gnomAD 0.00009.
gnomAD v4.1: 48 of 1,613,560 alleles (0.003%); highest among the groups gnomAD compares: African/African-American, 0.019%; no homozygotes.

Submissions (5):

Labcorp Genetics (formerly Invitae), Labcorp
Classification: Benign. Last evaluated: 2025-12-09. Review status: criteria provided, single submitter. Criteria: Invitae Variant Classification Sherloc (09022015). Collection method: clinical testing. Allele origin: germline.

GeneDx
Classification: Uncertain significance. Last evaluated: 2023-11-20. Review status: criteria provided, single submitter. Criteria: GeneDx Variant Classification Process June 2021. Collection method: clinical testing. Allele origin: germline. Affected: yes.
Comment: In silico analysis supports that this missense variant does not alter protein structure/function; Has not been previously published as pathogenic or benign to our knowledge

Ambry Genetics
Classification: Uncertain significance for Inborn genetic diseases. Last evaluated: 2023-11-06. Review status: criteria provided, single submitter. Criteria: Ambry Variant Classification Scheme 2023. Collection method: clinical testing. Allele origin: germline.

Institute of Human Genetics, University of Goettingen
Classification: Uncertain significance for Hearing loss, autosomal dominant 37. Last evaluated: 2023-04-18. Review status: criteria provided, single submitter. Criteria: ACMG Guidelines, 2015. Collection method: clinical testing. Allele origin: unknown. Inheritance: Sporadic. Affected: yes.

Blueprint Genetics
Classification: Uncertain significance. Last evaluated: 2021-02-09. Review status: criteria provided, single submitter. Criteria: ACMG Guidelines, 2015. Collection method: clinical testing. Allele origin: germline.